The following is an entry in ClinVar:

NM_002907.4(RECQL):c.973A>G (p.Lys325Glu)

Gene: RECQL (RecQ like helicase; minus strand). Cytogenetic location: 12p12.1.
Variant type: single nucleotide variant.
Coding change: c.973A>G on transcript NM_002907.4 (MANE Select); coding-DNA position 973, A replaced by G.
Protein change: p.Lys325Glu; replaces lysine 325 with glutamic acid.
Molecular consequence: missense variant.
Genome position (GRCh38, 1-based): chr12:21,475,801, T>C on the plus strand (A>G on the coding strand, the complement: RECQL is on the minus strand). VCF-style: chr12-21475801-T-C. GRCh37 (hg19) VCF-style: chr12-21628735-T-C.
Other names: c.973A>G (NM_002907.3); c.973A>G, p.Lys325Glu (NM_032941.3); short protein forms K325E.
Identifiers: ClinVar variation 2986983 (VCV002986983.4), dbSNP rs2540347332, ClinGen allele CA384122221.

ClinVar aggregate classification (germline): Uncertain significance. Review status: criteria provided, multiple submitters, no conflicts (2 of 4 stars). 2 submissions from 2 submitters: Uncertain significance (2). Last evaluated 2024-09-18.

Submissions (2):

Ambry Genetics
Classification: Uncertain significance. Last evaluated: 2024-09-18. Review status: criteria provided, single submitter. Criteria: Ambry Variant Classification Scheme 2023. Collection method: clinical testing. Allele origin: germline.
Comment: The p.K325E variant (also known as c.973A>G), located in coding exon 8 of the RECQL gene, results from an A to G substitution at nucleotide position 973. The lysine at codon 325 is replaced by glutamic acid, an amino acid with similar properties. This amino acid position is conserved. In addition, this alteration is predicted to be deleterious by in silico analysis. Based on the available evidence, the clinical significance of this variant remains unclear.

Labcorp Genetics (formerly Invitae), Labcorp
Classification: Uncertain significance. Last evaluated: 2024-01-02. Review status: criteria provided, single submitter. Criteria: Invitae Variant Classification Sherloc (09022015). Collection method: clinical testing. Allele origin: germline.
Comment: This sequence change replaces lysine, which is basic and polar, with glutamic acid, which is acidic and polar, at codon 325 of the RECQL protein (p.Lys325Glu). This variant is not present in population databases (gnomAD no frequency). This variant has not been reported in the literature in individuals affected with RECQL-related conditions. Advanced modeling of protein sequence and biophysical properties (such as structural, functional, and spatial information, amino acid conservation, physicochemical variation, residue mobility, and thermodynamic stability) performed at Invitae indicates that this missense variant is not expected to disrupt RECQL protein function with a negative predictive value of 80%. Algorithms developed to predict the effect of sequence changes on RNA splicing suggest that this variant may create or strengthen a splice site. In summary, the available evidence is currently insufficient to determine the role of this variant in disease. Therefore, it has been classified as a Variant of Uncertain Significance.